The following is an entry in ClinVar:

NM_016222.4(DDX41):c.1442G>C (p.Gly481Ala)

Gene: DDX41 (DEAD-box helicase 41; minus strand). Cytogenetic location: 5q35.3.
Variant type: single nucleotide variant.
Coding change: c.1442G>C on transcript NM_016222.4 (MANE Select); coding-DNA position 1442, G replaced by C.
Protein change: p.Gly481Ala; replaces glycine 481 with alanine.
Molecular consequence: missense variant.
Genome position (GRCh38, 1-based): chr5:177,512,603, C>G on the plus strand (G>C on the coding strand, the complement: DDX41 is on the minus strand). VCF-style: chr5-177512603-C-G. GRCh37 (hg19) VCF-style: chr5-176939604-C-G.
Other names: c.1064G>C, p.Gly355Ala (NM_001321732.2, NM_001321830.2); short protein forms G355A, G481A.
Identifiers: ClinVar variation 3370798 (VCV003370798.2).

ClinVar aggregate classification (germline): Uncertain significance. Review status: criteria provided, multiple submitters, no conflicts (2 of 4 stars). 2 submissions from 2 submitters: Uncertain significance (2). Last evaluated 2025-03-24.

Conditions:
Inborn genetic diseases. Identifiers: MedGen C0950123, MeSH D030342.

Submissions (2):

Ambry Genetics
Classification: Uncertain significance for Inborn genetic diseases. Last evaluated: 2025-03-24. Review status: criteria provided, single submitter. Criteria: Ambry Variant Classification Scheme 2023. Collection method: clinical testing. Allele origin: germline.
Comment: The p.G481A variant (also known as c.1442G>C), located in coding exon 14 of the DDX41 gene, results from a G to C substitution at nucleotide position 1442. The glycine at codon 481 is replaced by alanine, an amino acid with similar properties. This amino acid position is highly conserved in available vertebrate species. In addition, the in silico prediction for this alteration is inconclusive. Based on the available evidence, the clinical significance of this variant remains unclear.

GeneDx
Classification: Uncertain significance. Last evaluated: 2024-03-08. Review status: criteria provided, single submitter. Criteria: GeneDx Variant Classification Process June 2021. Collection method: clinical testing. Allele origin: germline. Affected: yes.
Comment: Not observed at significant frequency in large population cohorts (gnomAD); In silico analysis supports that this missense variant has a deleterious effect on protein structure/function; Has not been previously published as pathogenic or benign to our knowledge; This variant is associated with the following publications: (PMID: 27721487)